The following is an entry in ClinVar:

NM_006846.4(SPINK5):c.81+19G>A

Gene: SPINK5 (serine peptidase inhibitor Kazal type 5; plus strand). Cytogenetic location: 5q32.
Variant type: single nucleotide variant.
Coding change: c.81+19G>A on transcript NM_006846.4 (MANE Select); 19 bases into the intron after coding-DNA position 81, G replaced by A.
Molecular consequence: intron variant.
Genome position (GRCh38, 1-based): chr5:148,065,391, G>A. VCF-style: chr5-148065391-G-A. GRCh37 (hg19) VCF-style: chr5-147444954-G-A.
Other names: c.81+19G>A (NM_001127698.2, NM_001127699.2).
Identifiers: ClinVar variation 381220 (VCV000381220.1), dbSNP rs1057520976, ClinGen allele CA16604877.
Genomic context (GRCh38, chr5:148,065,391, plus strand): 5'-TATATTTTCATCCCAGATGCTGCCAGTAAGAATGAAGATCAGGTTAGTCCTGCTTTTTCT[G>A]TTCATTGAATTCATTCCAAGATTCCCAAAGAAAAGTGGTTTGTGGCCAACACCTTCATGT-3'

ClinVar aggregate classification (germline): Likely benign (1 of 4 stars; one submission).

Submission:

GeneDx
Classification: Likely benign. Last evaluated: 2015-12-02. Review status: criteria provided, single submitter. Criteria: GeneDx Variant Classification (06012015). Collection method: clinical testing. Allele origin: germline. Affected: yes.
Comment: This variant is considered likely benign or benign based on one or more of the following criteria: it is a conservative change, it occurs at a poorly conserved position in the protein, it is predicted to be benign by multiple in silico algorithms, and/or has population frequency not consistent with disease.